The following is an entry in ClinVar:

ClinVar aggregate classification (germline): Uncertain significance (1 of 4 stars; one submission).

Conditions:
Neurodevelopmental disorder with or without hyperkinetic movements and seizures, autosomal dominant. Also called: Intellectual disability, autosomal dominant 8. Identifiers: MedGen C3280282, MONDO:0013655, OMIM 614254.

Allele frequency attached by ClinVar (database versions not stated): gnomAD exomes below 0.00001.
gnomAD v4.1: 1 of 1,613,786 alleles (0.000062%); no homozygotes.

Submission:

Labcorp Genetics (formerly Invitae), Labcorp
Classification: Uncertain significance for Neurodevelopmental disorder with or without hyperkinetic movements and seizures, autosomal dominant. Last evaluated: 2023-08-04. Review status: criteria provided, single submitter. Criteria: Invitae Variant Classification Sherloc (09022015). Collection method: clinical testing. Allele origin: germline.
Comment: This sequence change replaces glutamine, which is neutral and polar, with arginine, which is basic and polar, at codon 59 of the GRIN1 protein (p.Gln59Arg). This variant is not present in population databases (gnomAD no frequency). This variant has not been reported in the literature in individuals affected with GRIN1-related conditions. Advanced modeling of protein sequence and biophysical properties (such as structural, functional, and spatial information, amino acid conservation, physicochemical variation, residue mobility, and thermodynamic stability) has been performed at Invitae for this missense variant, however the output from this modeling did not meet the statistical confidence thresholds required to predict the impact of this variant on GRIN1 protein function. In summary, the available evidence is currently insufficient to determine the role of this variant in disease. Therefore, it has been classified as a Variant of Uncertain Significance.

NM_007327.4(GRIN1):c.176A>G (p.Gln59Arg)

Gene: GRIN1 (glutamate ionotropic receptor NMDA type subunit 1; plus strand). Cytogenetic location: 9q34.3.
Variant type: single nucleotide variant.
Coding change: c.176A>G on transcript NM_007327.4 (MANE Select); coding-DNA position 176, A replaced by G.
Protein change: p.Gln59Arg; replaces glutamine 59 with arginine.
Molecular consequence: missense variant.
Genome position (GRCh38, 1-based): chr9:137,139,662, A>G. VCF-style: chr9-137139662-A-G. GRCh37 (hg19) VCF-style: chr9-140034114-A-G.
Other names: c.176A>G, p.Gln59Arg (NM_000832.7, NM_001185090.2, NM_001185091.2 and 1 more transcripts); short protein forms Q59R.
Identifiers: ClinVar variation 2750014 (VCV002750014.3), dbSNP rs2538508258, ClinGen allele CA375713309.